The following is an entry in ClinVar:

ClinVar aggregate classification (germline): Pathogenic. Review status: reviewed by expert panel (3 of 4 stars). 4 submissions from 4 submitters: Pathogenic (1). 3 of the submissions do not count toward it. Last evaluated 2016-09-08.

Conditions:
Hereditary breast ovarian cancer syndrome. Also called: Hereditary breast and/or ovarian cancer syndrome; Breast and ovarian cancer; Hereditary breast and ovarian cancer syndrome; Hereditary breast and ovarian cancer; Hereditary breast and ovarian cancer syndrome (HBOC); BRCA1- and BRCA2-Associated Hereditary Breast and Ovarian Cancer. Identifiers: Orphanet 145, MedGen C0677776, MeSH D061325, MONDO:0003582. Disease mechanism: loss of function.
Breast-ovarian cancer, familial, susceptibility to, 1 (BROVCA1). Also called: BRCA1 Hereditary Breast and Ovarian Cancer; OVARIAN CANCER, SUSCEPTIBILITY TO. Identifiers: Orphanet 145, MedGen C2676676, MONDO:0011450, OMIM 604370. Disease mechanism: loss of function.

Submissions (4):

Evidence-based Network for the Interpretation of Germline Mutant Alleles (ENIGMA)
Classification: Pathogenic for Breast-ovarian cancer, familial, susceptibility to, 1. Last evaluated: 2016-09-08. Review status: reviewed by expert panel. Criteria: ENIGMA BRCA1/2 Classification Criteria (2015). Collection method: curation. Allele origin: germline.
Comment: Variant allele predicted to encode a truncated non-functional protein.

Labcorp Genetics (formerly Invitae), Labcorp
Classification: Pathogenic for Hereditary breast ovarian cancer syndrome. Last evaluated: 2025-04-24. Review status: criteria provided, single submitter. Criteria: Invitae Variant Classification Sherloc (09022015). Collection method: clinical testing. Allele origin: germline. Not counted in ClinVar's aggregate classification.
Comment: This sequence change creates a premature translational stop signal (p.Thr1700Hisfs*2) in the BRCA1 gene. It is expected to result in an absent or disrupted protein product. Loss-of-function variants in BRCA1 are known to be pathogenic (PMID: 20104584). This variant is not present in population databases (gnomAD no frequency). This premature translational stop signal has been observed in individual(s) with ovarian and/or breast cancer (PMID: 27914478, 34601666). This variant is also known as p.Leu1700Ter. ClinVar contains an entry for this variant (Variation ID: 125763). Algorithms developed to predict the effect of sequence changes on RNA splicing suggest that this variant may disrupt the consensus splice site. For these reasons, this variant has been classified as Pathogenic.

GeneDx
Classification: Pathogenic. Last evaluated: 2017-10-16. Review status: criteria provided, single submitter. Criteria: GeneDx Variant Classification (06012015). Collection method: clinical testing. Allele origin: germline. Affected: yes. Not counted in ClinVar's aggregate classification.
Comment: This deletion of one nucleotide in BRCA1 is denoted c.5098delA at the cDNA level and p.Thr1700HisfsX2 (T1700HfsX2) at the protein level. The normal sequence, with the base that is deleted in brackets, is ACGG[delA]CACT. The deletion causes a frameshift which changes a Threonine to a Histidine at codon 1700, and creates a premature stop codon at position 2 of the new reading frame. Although this variant has not, to our knowledge, been reported in the literature, it is predicted to cause loss of normal protein function through either protein truncation or nonsense-mediated mRNA decay. We consider this variant to be pathogenic.

Breast Cancer Information Core (BIC) (BRCA1)
Classification: Pathogenic for Breast-ovarian cancer, familial 1. Last evaluated: 2013-03-25. Review status: no assertion criteria provided. Collection method: clinical testing. Allele origin: germline. Affected: yes. Observed: 2 variant alleles. Not counted in ClinVar's aggregate classification.

Literature cited by the submitters: PubMed 20104584 (cited by Labcorp Genetics (formerly Invitae), Labcorp); PubMed 27914478 (cited by Labcorp Genetics (formerly Invitae), Labcorp); PubMed 34601666 (cited by Labcorp Genetics (formerly Invitae), Labcorp).

NM_007294.4(BRCA1):c.5098del (p.Thr1700fs)

Gene: BRCA1 (BRCA1 DNA repair associated; minus strand). Cytogenetic location: 17q21.31.
Variant type: Deletion.
Coding change: c.5098del on transcript NM_007294.4 (MANE Select); coding-DNA position 5098, one base deleted (A; older notation c.5098delA).
Protein change: p.Thr1700fs; shifts the reading frame from threonine 1700.
Molecular consequence: frameshift variant. On other transcripts: non-coding transcript variant (1).
Genome position (GRCh38, 1-based): chr17:43,063,928, T deleted on the plus strand (A on the coding strand, the reverse complement: BRCA1 is on the minus strand). VCF-style (leftmost placement, unchanged base first): chr17-43063927-GT-G. GRCh37 (hg19) VCF-style: chr17-41215944-GT-G.
Other names: 5217delA; c.4885delA, p.Thr1629Hisfs (NM_001407571.1, NM_001407894.1, NM_001407895.1 and 12 more transcripts); c.5164delA, p.Thr1722Hisfs (NM_001407581.1, NM_001407582.1); c.5161delA, p.Thr1721Hisfs (NM_001407583.1, NM_001407585.1, NM_001407587.1); c.5158delA, p.Thr1720Hisfs (NM_001407590.1, NM_001407591.1); c.5098delA, p.Thr1700Hisfs (NM_001407593.1, NM_001407594.1, NM_001407596.1 and 7 more transcripts); c.5095delA, p.Thr1699Hisfs (NM_001407610.1, NM_001407611.1, NM_001407612.1 and 17 more transcripts); c.5092delA, p.Thr1698Hisfs (NM_001407627.1, NM_001407628.1, NM_001407629.1 and 14 more transcripts); and 75 more; short protein forms T1653fs, T1700fs, T596fs, T1721fs.
Identifiers: ClinVar variation 125763 (VCV000125763.6), dbSNP rs483353099, ClinGen allele CA003239.